The following is an entry in ClinVar:

ClinVar aggregate classification (germline): Uncertain significance. Review status: criteria provided, multiple submitters, no conflicts (2 of 4 stars). 2 submissions from 2 submitters: Uncertain significance (2). Last evaluated 2025-02-28.

gnomAD v4.1: 23 of 1,608,440 alleles (0.0014%); highest among the groups gnomAD compares: Admixed American, 0.0017%; no homozygotes.

Submissions (2):

Ambry Genetics
Classification: Uncertain significance. Last evaluated: 2025-02-28. Review status: criteria provided, single submitter. Criteria: Ambry Variant Classification Scheme 2023. Collection method: clinical testing. Allele origin: germline.

Labcorp Genetics (formerly Invitae), Labcorp
Classification: Uncertain significance. Last evaluated: 2024-12-12. Review status: criteria provided, single submitter. Criteria: Invitae Variant Classification Sherloc (09022015). Collection method: clinical testing. Allele origin: germline.
Comment: This sequence change replaces proline, which is neutral and non-polar, with threonine, which is neutral and polar, at codon 176 of the MCM4 protein (p.Pro176Thr). This variant is present in population databases (rs187841020, gnomAD no frequency). This variant has not been reported in the literature in individuals affected with MCM4-related conditions. ClinVar contains an entry for this variant (Variation ID: 1439273). Invitae Evidence Modeling of protein sequence and biophysical properties (such as structural, functional, and spatial information, amino acid conservation, physicochemical variation, residue mobility, and thermodynamic stability) indicates that this missense variant is not expected to disrupt MCM4 protein function with a negative predictive value of 80%. In summary, the available evidence is currently insufficient to determine the role of this variant in disease. Therefore, it has been classified as a Variant of Uncertain Significance.

NM_182746.3(MCM4):c.526C>A (p.Pro176Thr)

Gene: MCM4 (minichromosome maintenance complex component 4; plus strand). Cytogenetic location: 8q11.21.
Variant type: single nucleotide variant.
Coding change: c.526C>A on transcript NM_182746.3 (MANE Select); coding-DNA position 526, C replaced by A.
Protein change: p.Pro176Thr; replaces proline 176 with threonine.
Molecular consequence: missense variant.
Genome position (GRCh38, 1-based): chr8:47,962,788, C>A. VCF-style: chr8-47962788-C-A. GRCh37 (hg19) VCF-style: chr8-48875348-C-A.
Other names: c.526C>A, p.Pro176Thr (NM_005914.4); c.526C>A (NM_005914.3); short protein forms P176T.
Identifiers: ClinVar variation 1439273 (VCV001439273.12), dbSNP rs187841020, ClinGen allele CA4742330.
Genomic context (GRCh38, chr8:47,962,788, plus strand): 5'-GCTATATGCCTAATACAGTTTTCTCTCCACTTAAAGAGATTTCTTCAGCGTTTTATTGAC[C>A]CTCTGGCTAAAGAAGAAGAAAATGTTGGCATAGATATTACTGAACCTCTATACATGCAAC-3'
Protein context (NP_877423.1, residues 166-186): FQRFLQRFID[Pro176Thr]LAKEEENVGI